The following is an entry in ClinVar:

ClinVar aggregate classification (germline): Benign/Likely benign. Review status: criteria provided, multiple submitters, no conflicts (2 of 4 stars). 3 submissions from 2 submitters: Benign (2); Likely benign (1). Last evaluated 2021-08-17.

Conditions:
Hemochromatosis type 5. Also called: Iron overload, autosomal dominant. Identifiers: Orphanet 247790, MedGen C1851316, MONDO:0014225, OMIM 615517.
Retinitis pigmentosa (RP). Identifiers: Orphanet 791, MedGen C0035334, MeSH D012174, MONDO:0019200, OMIM 268000. Inheritance: Autosomal dominant, autosomal recessive and X linked inheritance.

Allele frequency attached by ClinVar (database versions not stated): gnomAD exomes 0.00215; gnomAD 0.01972 and 0.02107; 1000 Genomes Project 0.02137; TOPMed 0.02231; 1000 Genomes Project 30x 0.02249.

Submissions (3):

GeneDx
Classification: Benign. Last evaluated: 2021-08-17. Review status: criteria provided, single submitter. Criteria: GeneDx Variant Classification Process June 2021. Collection method: clinical testing. Allele origin: germline. Affected: yes.

Illumina Laboratory Services, Illumina
Classification: Benign for Hemochromatosis type 5. Last evaluated: 2018-01-13. Review status: criteria provided, single submitter. Criteria: ICSL Variant Classification Criteria 13 December 2019. Collection method: clinical testing. Allele origin: germline.
Comment: This variant was observed in the ICSL laboratory as part of a predisposition screen in an ostensibly healthy population. It had not been previously curated by ICSL or reported in the Human Gene Mutation Database (HGMD: prior to June 1st, 2018), and was therefore a candidate for classification through an automated scoring system. Utilizing variant allele frequency, disease prevalence and penetrance estimates, and inheritance mode, an automated score was calculated to assess if this variant is too frequent to cause the disease. Based on the score and internal cut-off values, a variant classified as benign is not then subjected to further curation. The score for this variant resulted in a classification of benign for this disease.

Illumina Laboratory Services, Illumina
Classification: Likely benign for Retinitis pigmentosa. Last evaluated: 2018-01-12. Review status: criteria provided, single submitter. Criteria: ICSL Variant Classification Criteria 13 December 2019. Collection method: clinical testing. Allele origin: germline.
Comment: This variant was observed in the ICSL laboratory as part of a predisposition screen in an ostensibly healthy population. It had not been previously curated by ICSL or reported in the Human Gene Mutation Database (HGMD: prior to June 1st, 2018), and was therefore a candidate for classification through an automated scoring system. Utilizing variant allele frequency, disease prevalence and penetrance estimates, and inheritance mode, an automated score was calculated to assess if this variant is too frequent to cause the disease. Based on the score and internal cut-off values, a variant classified as likely benign is not then subjected to further curation. The score for this variant resulted in a classification of likely benign for this disease.

NM_002032.3(FTH1):c.*319G>A

Genes: BEST1 (bestrophin 1; plus strand), FTH1 (ferritin heavy chain 1; minus strand). Cytogenetic location: 11q12.3.
Variant type: single nucleotide variant.
Coding change: c.*319G>A on transcript NM_002032.3 (MANE Select); 319 bases downstream of the stop codon, G replaced by A.
Molecular consequence: 3 prime UTR variant. On other transcripts: non-coding transcript variant (1).
Genome position (GRCh38, 1-based): chr11:61,964,408, C>T on the plus strand (G>A on the coding strand, the complement: FTH1 is on the minus strand). VCF-style: chr11-61964408-C-T. GRCh37 (hg19) VCF-style: chr11-61731880-C-T.
Other names: c.*1259C>T (NM_001139443.3, NM_001363591.3, NM_001363593.3); c.*286C>T (NM_001300786.2, NM_001300787.2, NM_004183.4); c.*2149C>T (NM_001363592.2).
Identifiers: ClinVar variation 305137 (VCV000305137.9), dbSNP rs75281081, ClinGen allele CA10638892.